The following is an entry in ClinVar:

NM_001130438.3(SPTAN1):c.4828C>T (p.Arg1610Trp)

Gene: SPTAN1 (spectrin alpha, non-erythrocytic 1; plus strand). Cytogenetic location: 9q34.11.
Variant type: single nucleotide variant.
Coding change: c.4828C>T on transcript NM_001130438.3 (MANE Select); coding-DNA position 4828, C replaced by T.
Protein change: p.Arg1610Trp; replaces arginine 1610 with tryptophan.
Molecular consequence: missense variant.
Genome position (GRCh38, 1-based): chr9:128,611,768, C>T. VCF-style: chr9-128611768-C-T. GRCh37 (hg19) VCF-style: chr9-131374047-C-T.
Other names: c.4753C>T, p.Arg1585Trp (NM_001195532.2); c.4828C>T, p.Arg1610Trp (NM_001363759.2); c.4768C>T, p.Arg1590Trp (NM_001363765.2); c.4813C>T, p.Arg1605Trp (NM_003127.4); short protein forms R1610W, R1590W, R1605W, R1585W.
Identifiers: ClinVar variation 429871 (VCV000429871.13), dbSNP rs1131691643, ClinGen allele CA375070350.

ClinVar aggregate classification (germline): Pathogenic/Likely pathogenic. Review status: criteria provided, multiple submitters, no conflicts (2 of 4 stars). 7 submissions from 7 submitters: Pathogenic (2); Likely pathogenic (4). 1 of the submissions does not count toward it. Last evaluated 2025-07-15.

Conditions:
SPTAN1-related disorder. Also called: SPTAN1-related condition; SPTAN1-related disorders.
Isolated cerebellar hypoplasia/agenesis (CHEGDD). Also called: Cerebellar hypoplasia/atrophy, epilepsy, and global developmental delay. Identifiers: Orphanet 1398, Orphanet 2246, MedGen C5231391, MONDO:0008939, OMIM 213000.
Developmental and epileptic encephalopathy, 5 (DEE5). Identifiers: Orphanet 3451, MedGen C3150731, MONDO:0013277, OMIM 613477.

Submissions (7):

Dasa
Classification: Likely pathogenic. Last evaluated: 2025-07-15. Review status: criteria provided, single submitter. Criteria: DASA Assertion Criteria. Collection method: clinical testing. Allele origin: germline.
Comment: NM_001130438.3(SPTAN1):c.4828C>T (p.Arg1610Trp) is a missense variant that results in the substitution of arginine with tryptophan. This variant has been recurrently observed in individuals with SPTAN1-related disorders (PMID: 32963807; PMID: 29050398; PMID: 31474318). This variant has been reported as a de novo occurrence in an affected individual (PMID: 32963807; PMID: 29050398; PMID: 31474318). Also, this variant is absent from population databases. Based on the currently available evidence, this variant is classified as likely pathogenic.

PreventionGenetics, part of Exact Sciences
Classification: Pathogenic for SPTAN1-related condition. Last evaluated: 2023-04-11. Review status: criteria provided, single submitter. Criteria: ACMG Guidelines, 2015. Collection method: clinical testing. Allele origin: germline.
Comment: The SPTAN1 c.4828C>T variant is predicted to result in the amino acid substitution p.Arg1610Trp. This variant has been reported as arising de novo in an individual with an onset of seizures at 2 years of age (Syrbe et al. 2017. PubMed ID: 29050398), and de novo in an individual with cerebellar malformation (Table S5 in Aldinger et al. 2019. PubMed ID: 31474318), and de novo in an individual with epileptic encephalopathy (Fung et al. 2020. PubMed ID: 32963807). This variant has not been reported in a large population database, indicating this variant is rare. Given the evidence, we interpret c.4828C>T (p.Arg1610Trp) as pathogenic.

Genome-Nilou Lab
Classification: Likely pathogenic for Developmental and epileptic encephalopathy, 5. Last evaluated: 2021-07-15. Review status: criteria provided, single submitter. Criteria: ACMG Guidelines, 2015. Collection method: clinical testing. Allele origin: germline. Affected: no.

Department of Paediatrics and Adolescent Medicine, The University of Hong Kong
Classification: Likely pathogenic for Developmental and epileptic encephalopathy, 5. Last evaluated: 2020-06-02. Review status: criteria provided, single submitter. Criteria: ACMG Guidelines, 2015. Collection method: research. Allele origin: de novo. Inheritance: Autosomal dominant inheritance. Affected: yes.

GeneDx
Classification: Pathogenic. Last evaluated: 2020-02-06. Review status: criteria provided, single submitter. Criteria: GeneDx Variant Classification Process June 2021. Collection method: clinical testing. Allele origin: germline. Affected: yes.
Comment: Not observed in large population cohorts (Lek et al., 2016); In silico analyses, including protein predictors and evolutionary conservation, support a deleterious effect; This variant is associated with the following publications: (PMID: 29050398, 31474318, 32963807)

Institute of Human Genetics, University of Leipzig Medical Center
Classification: Likely pathogenic for Developmental and epileptic encephalopathy, 5. Last evaluated: 2017-09-01. Review status: criteria provided, single submitter. Criteria: ACMG Guidelines, 2015. Collection method: research. Allele origin: de novo.

University of Washington Center for Mendelian Genomics, University of Washington
Classification: Likely pathogenic for Cerebellar hypoplasia. Review status: no assertion criteria provided. Collection method: research. Allele origin: de novo. Affected: yes. Not counted in ClinVar's aggregate classification.

Literature cited by the submitters: PubMed 32963807 (cited by Dasa and Department of Paediatrics and Adolescent Medicine, The University of Hong Kong); PubMed 29050398 (cited by Dasa and Institute of Human Genetics, University of Leipzig Medical Center); PubMed 31474318 (cited by Dasa and University of Washington Center for Mendelian Genomics, University of Washington).